The following is an entry in ClinVar:

ClinVar aggregate classification (germline): Likely benign (1 of 4 stars; one submission).

Conditions:
TRIO-related disorder. Also called: TRIO-related disorders; TRIO-related condition.

gnomAD v4.1: 31 of 1,613,708 alleles (0.0019%); highest among the groups gnomAD compares: African/African-American, 0.0093%; no homozygotes.

Submission:

PreventionGenetics, part of Exact Sciences
Classification: Likely benign for TRIO-related condition. Last evaluated: 2025-08-05. Review status: criteria provided, single submitter. Criteria: ACMG Guidelines, 2015. Collection method: clinical testing. Allele origin: germline.
Comment: This variant is classified as likely benign based on ACMG/AMP sequence variant interpretation guidelines (Richards et al. 2015 PMID: 25741868, with internal and published modifications).

NM_007118.4(TRIO):c.8019+8C>T

Gene: TRIO (trio Rho guanine nucleotide exchange factor; plus strand). Cytogenetic location: 5p15.2.
Variant type: single nucleotide variant.
Coding change: c.8019+8C>T on transcript NM_007118.4 (MANE Select); 8 bases into the intron after coding-DNA position 8019, C replaced by T.
Molecular consequence: intron variant.
Genome position (GRCh38, 1-based): chr5:14,497,025, C>T. VCF-style: chr5-14497025-C-T. GRCh37 (hg19) VCF-style: chr5-14497134-C-T.
Identifiers: ClinVar variation 4984849 (VCV004984849.1).